The following is an entry in ClinVar:

ClinVar aggregate classification (germline): Likely benign. Review status: criteria provided, single submitter (1 of 4 stars). 2 submissions from 2 submitters: Likely benign (1). 1 of the submissions does not count toward it. Last evaluated 2024-03-30.

Conditions:
INSR-related disorder.

Allele frequency attached by ClinVar (database versions not stated): gnomAD 0.00005; ExAC 0.00012; TOPMed 0.00012.
gnomAD v4.1: 58 of 1,614,010 alleles (0.0036%); highest among the groups gnomAD compares: Admixed American, 0.038%; no homozygotes.

Submissions (2):

Labcorp Genetics (formerly Invitae), Labcorp
Classification: Likely benign. Last evaluated: 2024-03-30. Review status: criteria provided, single submitter. Criteria: Invitae Variant Classification Sherloc (09022015). Collection method: clinical testing. Allele origin: germline.

PreventionGenetics, part of Exact Sciences
Classification: Likely benign for INSR-related condition. Last evaluated: 2019-03-25. Review status: no assertion criteria provided. Collection method: clinical testing. Allele origin: germline. Not counted in ClinVar's aggregate classification.
Comment: This variant is classified as likely benign based on ACMG/AMP sequence variant interpretation guidelines (Richards et al. 2015 PMID: 25741868, with internal and published modifications).

NM_000208.4(INSR):c.2574G>A (p.Thr858=)

Gene: INSR (insulin receptor; minus strand). Cytogenetic location: 19p13.2.
Variant type: single nucleotide variant.
Coding change: c.2574G>A on transcript NM_000208.4 (MANE Select); coding-DNA position 2574, G replaced by A.
Protein change: p.Thr858=; no amino-acid change (threonine 858 retained).
Molecular consequence: synonymous variant.
Genome position (GRCh38, 1-based): chr19:7,141,785, C>T on the plus strand (G>A on the coding strand, the complement: INSR is on the minus strand). VCF-style: chr19-7141785-C-T. GRCh37 (hg19) VCF-style: chr19-7141796-C-T.
Other names: c.2574G>A (NM_000208.3); c.2538G>A, p.Thr846= (NM_001079817.3).
Identifiers: ClinVar variation 2911769 (VCV002911769.5), dbSNP rs79490496, ClinGen allele CA9135510.
Genomic context (GRCh38, chr19:7,141,785, plus strand): 5'-ATTGGGCTCCTTCGGCTCCTGCCACATCAAGTGGACGACGTTGTTCTCAAAGATTTCATG[C>T]GTCACAGGGCCAACAATGTCATCAGCCTTGGCTGTAAGGAGAGGAAGTGAGAGGCAGGGA-3'
Protein context (NP_000199.2, residues 848-868): AKADDIVGPV[Thr858=]HEIFENNVVH